The following is an entry in ClinVar:

NM_032578.4(MYPN):c.1696G>C (p.Glu566Gln)

Gene: MYPN (myopalladin; plus strand). Cytogenetic location: 10q21.3.
Variant type: single nucleotide variant.
Coding change: c.1696G>C on transcript NM_032578.4 (MANE Select); coding-DNA position 1696, G replaced by C.
Protein change: p.Glu566Gln; replaces glutamic acid 566 with glutamine.
Molecular consequence: missense variant. On other transcripts: non-coding transcript variant (2).
Genome position (GRCh38, 1-based): chr10:68,166,389, G>C. VCF-style: chr10-68166389-G-C. GRCh37 (hg19) VCF-style: chr10-69926146-G-C.
Other names: c.1696G>C, p.Glu566Gln (NM_001256267.2); c.814G>C, p.Glu272Gln (NM_001256268.2); short protein forms E272Q, E566Q.
Identifiers: ClinVar variation 640837 (VCV000640837.11), dbSNP rs1388806519, ClinGen allele CA376839794.

ClinVar aggregate classification (germline): Uncertain significance. Review status: criteria provided, multiple submitters, no conflicts (2 of 4 stars). 3 submissions from 3 submitters: Uncertain significance (3). Last evaluated 2024-08-15.

Conditions:
Cardiovascular phenotype. Identifiers: MedGen CN230736.
Dilated cardiomyopathy 1KK (CMD1KK). Identifiers: Orphanet 154, Orphanet 75249, MedGen C3714995, MONDO:0014100, OMIM 615248.

Allele frequency attached by ClinVar (database versions not stated): gnomAD exomes below 0.00001 and 0.00001; TOPMed 0.00001.

Submissions (3):

Ambry Genetics
Classification: Uncertain significance for Cardiovascular phenotype. Last evaluated: 2024-08-15. Review status: criteria provided, single submitter. Criteria: Ambry Variant Classification Scheme 2023. Collection method: clinical testing. Allele origin: germline.

GeneDx
Classification: Uncertain significance. Last evaluated: 2024-05-29. Review status: criteria provided, single submitter. Criteria: GeneDx Variant Classification Process June 2021. Collection method: clinical testing. Allele origin: germline. Affected: yes.
Comment: Has not been previously published as pathogenic or benign to our knowledge; Not observed at significant frequency in large population cohorts (gnomAD); In silico analysis indicates that this missense variant does not alter protein structure/function

Labcorp Genetics (formerly Invitae), Labcorp
Classification: Uncertain significance for Dilated cardiomyopathy 1KK. Last evaluated: 2022-10-28. Review status: criteria provided, single submitter. Criteria: Invitae Variant Classification Sherloc (09022015). Collection method: clinical testing. Allele origin: germline.
Comment: This sequence change replaces glutamic acid, which is acidic and polar, with glutamine, which is neutral and polar, at codon 566 of the MYPN protein (p.Glu566Gln). This variant is present in population databases (no rsID available, gnomAD 0.009%). This variant has not been reported in the literature in individuals affected with MYPN-related conditions. ClinVar contains an entry for this variant (Variation ID: 640837). Algorithms developed to predict the effect of missense changes on protein structure and function output the following: SIFT: "Tolerated"; PolyPhen-2: "Benign"; Align-GVGD: "Class C0". The glutamine amino acid residue is found in multiple mammalian species, which suggests that this missense change does not adversely affect protein function. In summary, the available evidence is currently insufficient to determine the role of this variant in disease. Therefore, it has been classified as a Variant of Uncertain Significance.